The following is an entry in ClinVar:

ClinVar aggregate classification (germline): Uncertain significance (1 of 4 stars; one submission).

Submission:

GeneDx
Classification: Uncertain significance. Last evaluated: 2024-03-01. Review status: criteria provided, single submitter. Criteria: GeneDx Variant Classification Process June 2021. Collection method: clinical testing. Allele origin: germline.
Comment: Not observed at significant frequency in large population cohorts (gnomAD); In silico analysis supports that this missense variant has a deleterious effect on protein structure/function; Has not been previously published as pathogenic or benign to our knowledge

NM_004380.3(CREBBP):c.2558T>C (p.Leu853Pro)

Gene: CREBBP (CREB binding lysine acetyltransferase; minus strand). Cytogenetic location: 16p13.3.
Variant type: single nucleotide variant.
Coding change: c.2558T>C on transcript NM_004380.3 (MANE Select); coding-DNA position 2558, T replaced by C.
Protein change: p.Leu853Pro; replaces leucine 853 with proline.
Molecular consequence: missense variant.
Genome position (GRCh38, 1-based): chr16:3,770,892, A>G on the plus strand (T>C on the coding strand, the complement: CREBBP is on the minus strand). VCF-style: chr16-3770892-A-G. GRCh37 (hg19) VCF-style: chr16-3820893-A-G.
Other names: c.2444T>C, p.Leu815Pro (NM_001079846.1); short protein forms L815P, L853P.
Identifiers: ClinVar variation 2430706 (VCV002430706.2), dbSNP rs201496321, ClinGen allele CA394551677.